The following is an entry in ClinVar:

NM_006005.3(WFS1):c.2021G>T (p.Gly674Val)

Gene: WFS1 (wolframin ER transmembrane glycoprotein; plus strand). Cytogenetic location: 4p16.1.
Variant type: single nucleotide variant.
Coding change: c.2021G>T on transcript NM_006005.3 (MANE Select); coding-DNA position 2021, G replaced by T.
Protein change: p.Gly674Val; replaces glycine 674 with valine.
Molecular consequence: missense variant.
Genome position (GRCh38, 1-based): chr4:6,301,816, G>T. VCF-style: chr4-6301816-G-T. GRCh37 (hg19) VCF-style: chr4-6303543-G-T.
Other names: c.2021G>T, p.Gly674Val (NM_001145853.1); short protein forms G674V.
Identifiers: ClinVar variation 4685574 (VCV004685574.1).

ClinVar aggregate classification (germline): Likely pathogenic (1 of 4 stars; one submission).

Conditions:
Monogenic hearing loss.

Submission:

Genetics Laboratory, Great Ormond Street Hospital NHS Foundation Trust, North Thames Genomic Laboratory Hub
Classification: Likely pathogenic for Monogenic hearing loss. Last evaluated: 2025-11-18. Review status: criteria provided, single submitter. Criteria: ACGS Best Practice Guidelines for Variant Classification in Rare Disease 2024 v1.2. Collection method: clinical testing. Allele origin: germline. Affected: yes.
Comment: PS4_supporting, PM2_moderate, PP3_supporting, PM5_moderate, PP4_supporting